The following is an entry in ClinVar:

NM_001367624.2(ZNF469):c.6271G>A (p.Gly2091Ser)

Gene: ZNF469 (zinc finger protein 469; plus strand). Cytogenetic location: 16q24.2.
Variant type: single nucleotide variant.
Coding change: c.6271G>A on transcript NM_001367624.2 (MANE Select); coding-DNA position 6271, G replaced by A.
Protein change: p.Gly2091Ser; replaces glycine 2091 with serine.
Molecular consequence: missense variant.
Genome position (GRCh38, 1-based): chr16:88,433,741, G>A. VCF-style: chr16-88433741-G-A. GRCh37 (hg19) VCF-style: chr16-88500149-G-A.
Other names: NM_001127464.1:c.6187G>A; short protein forms G2091S.
Identifiers: ClinVar variation 2597474 (VCV002597474.3), dbSNP rs929337545, ClinGen allele CA286381339.

ClinVar aggregate classification (germline): Conflicting classifications of pathogenicity. Review status: criteria provided, conflicting classifications (1 of 4 stars). 2 submissions from 2 submitters: Uncertain significance (1); Likely benign (1). Last evaluated 2025-09-11.

Conditions:
Cardiovascular phenotype. Identifiers: MedGen CN230736.

Allele frequency attached by ClinVar (database versions not stated): TOPMed 0.00001; gnomAD 0.00002; gnomAD exomes 0.00003.
gnomAD v4.1: 38 of 1,548,788 alleles (0.0025%); highest among the groups gnomAD compares: Admixed American, 0.0078%; no homozygotes.

Submissions (2):

Women's Health and Genetics/Laboratory Corporation of America, LabCorp
Classification: Uncertain significance. Last evaluated: 2025-09-11. Review status: criteria provided, single submitter. Criteria: LabCorp Variant Classification Summary - May 2015. Collection method: clinical testing. Allele origin: germline.
Comment: Variant summary: ZNF469 c.6271G>A (p.Gly2091Ser) results in a non-conservative amino acid change in the encoded protein sequence. Algorithms developed to predict the effect of missense changes on protein structure and function are either unavailable or do not agree on the potential impact of this missense change. The variant allele was found at a frequency of 7e-06 in 143272 control chromosomes. The available data on variant occurrences in the general population are insufficient to allow any conclusion about variant significance. To our knowledge, no occurrence of c.6271G>A in individuals affected with ZNF469-related conditions and no experimental evidence demonstrating its impact on protein function have been reported. ClinVar contains an entry for this variant (Variation ID: 2597474). Based on the evidence outlined above, the variant was classified as uncertain significance.

Ambry Genetics
Classification: Likely benign for Cardiovascular phenotype. Last evaluated: 2023-09-14. Review status: criteria provided, single submitter. Criteria: Ambry Variant Classification Scheme 2023. Collection method: clinical testing. Allele origin: germline.